The following is an entry in ClinVar:

ClinVar aggregate classification (germline): Uncertain significance (1 of 4 stars; one submission).

gnomAD v4.1: 6 of 1,612,028 alleles (0.00037%); highest among the groups gnomAD compares: African/African-American, 0.0027%; no homozygotes.

Submission:

Women's Health and Genetics/Laboratory Corporation of America, LabCorp
Classification: Uncertain significance. Last evaluated: 2024-09-27. Review status: criteria provided, single submitter. Criteria: LabCorp Variant Classification Summary - May 2015. Collection method: clinical testing. Allele origin: germline.
Comment: Variant summary: NUP188 c.1534C>T (p.Arg512Cys) results in a non-conservative amino acid change in the encoded protein sequence. Three of five in-silico tools predict a benign effect of the variant on protein function. The variant allele was found at a frequency of 4e-06 in 249112 control chromosomes. The available data on variant occurrences in the general population are insufficient to allow any conclusion about variant significance. To our knowledge, no occurrence of c.1534C>T in individuals affected with Sandestig-Stefanova Syndrome and no experimental evidence demonstrating its impact on protein function have been reported. No submitters have cited clinical-significance assessments for this variant to ClinVar. Based on the evidence outlined above, the variant was classified as uncertain significance.

NM_015354.3(NUP188):c.1534C>T (p.Arg512Cys)

Gene: NUP188 (nucleoporin 188; plus strand). Cytogenetic location: 9q34.11.
Variant type: single nucleotide variant.
Coding change: c.1534C>T on transcript NM_015354.3 (MANE Select); coding-DNA position 1534, C replaced by T.
Protein change: p.Arg512Cys; replaces arginine 512 with cysteine.
Molecular consequence: missense variant.
Genome position (GRCh38, 1-based): chr9:128,982,566, C>T. VCF-style: chr9-128982566-C-T. GRCh37 (hg19) VCF-style: chr9-131744845-C-T.
Other names: short protein forms R512C.
Identifiers: ClinVar variation 3375152 (VCV003375152.1).